The following is an entry in ClinVar:

ClinVar aggregate classification (germline): Pathogenic (1 of 4 stars; one submission).

Submission:

Labcorp Genetics (formerly Invitae), Labcorp
Classification: Pathogenic. Last evaluated: 2025-04-23. Review status: criteria provided, single submitter. Criteria: Invitae Variant Classification Sherloc (09022015). Collection method: clinical testing. Allele origin: germline.
Comment: This sequence change creates a premature translational stop signal (p.Glu1992Aspfs*54) in the FREM2 gene. It is expected to result in an absent or disrupted protein product. Loss-of-function variants in FREM2 are known to be pathogenic (PMID: 18203166, 26552811). This variant is not present in population databases (gnomAD no frequency). This variant has not been reported in the literature in individuals affected with FREM2-related conditions. For these reasons, this variant has been classified as Pathogenic.

Literature cited by the submitters: PubMed 18203166; PubMed 26552811.

NM_207361.6(FREM2):c.5976del (p.Glu1992fs)

Gene: FREM2 (FRAS1 related extracellular matrix 2; plus strand). Cytogenetic location: 13q13.3.
Variant type: Deletion.
Coding change: c.5976del on transcript NM_207361.6 (MANE Select); coding-DNA position 5976, one base deleted (G; older notation c.5976delG).
Protein change: p.Glu1992fs; shifts the reading frame from glutamic acid 1992.
Molecular consequence: frameshift variant.
Genome position (GRCh38, 1-based): chr13:38,784,765, G deleted. VCF-style (leftmost placement, unchanged base first): chr13-38784764-AG-A. GRCh37 (hg19) VCF-style: chr13-39358901-AG-A.
Other names: short protein forms E1992fs.
Identifiers: ClinVar variation 4718246 (VCV004718246.1).